The following is an entry in ClinVar:

ClinVar aggregate classification (germline): Conflicting classifications of pathogenicity. Review status: criteria provided, conflicting classifications (1 of 4 stars). 5 submissions from 5 submitters: Uncertain significance (1); Benign (1); Likely benign (3). Last evaluated 2025-09-23.

Conditions:
Noonan syndrome and Noonan-related syndrome. Identifiers: Orphanet 98733, MedGen C5681679, MONDO:0020297.
Cardiovascular phenotype. Identifiers: MedGen CN230736.
RASopathy. Also called: Noonan spectrum disorder; rasopathies. Identifiers: Orphanet 536391, MedGen C5555857, MONDO:0021060.

Allele frequency attached by ClinVar (database versions not stated): gnomAD 0.00004 and 0.00005; gnomAD exomes 0.00004 and 0.00005; ExAC 0.00005; TOPMed 0.00005.
gnomAD v4.1: 76 of 1,551,242 alleles (0.0049%); highest among the groups gnomAD compares: South Asian, 0.015%; no homozygotes.

Submissions (5):

Labcorp Genetics (formerly Invitae), Labcorp
Classification: Likely benign for RASopathy. Last evaluated: 2025-09-23. Review status: criteria provided, single submitter. Criteria: Invitae Variant Classification Sherloc (09022015). Collection method: clinical testing. Allele origin: germline.

Blueprint Genetics
Classification: Likely benign. Last evaluated: 2023-12-04. Review status: criteria provided, single submitter. Criteria: ACMG Guidelines, 2015. Collection method: clinical testing. Allele origin: germline.

Ambry Genetics
Classification: Likely benign for Cardiovascular phenotype. Last evaluated: 2022-07-19. Review status: criteria provided, single submitter. Criteria: Ambry Variant Classification Scheme 2023. Collection method: clinical testing. Allele origin: germline.

Genome Diagnostics Laboratory, The Hospital for Sick Children
Classification: Uncertain significance for Noonan syndrome and Noonan-related syndrome. Last evaluated: 2020-02-01. Review status: criteria provided, single submitter. Criteria: ACMG Guidelines, 2015. Collection method: clinical testing. Allele origin: germline.

GeneDx
Classification: Benign. Last evaluated: 2012-06-21. Review status: criteria provided, single submitter. Criteria: GeneDx Variant Classification (06012015). Collection method: clinical testing. Allele origin: germline. Affected: yes.
Comment: This variant is considered likely benign or benign based on one or more of the following criteria: it is a conservative change, it occurs at a poorly conserved position in the protein, it is predicted to be benign by multiple in silico algorithms, and/or has population frequency not consistent with disease.

NM_030662.4(MAP2K2):c.1005C>T (p.Asn335=)

Gene: MAP2K2 (mitogen-activated protein kinase kinase 2; minus strand). Cytogenetic location: 19p13.3.
Variant type: single nucleotide variant.
Coding change: c.1005C>T on transcript NM_030662.4 (MANE Select); coding-DNA position 1005, C replaced by T.
Protein change: p.Asn335=; no amino-acid change (asparagine 335 retained).
Molecular consequence: synonymous variant.
Genome position (GRCh38, 1-based): chr19:4,095,429, G>A on the plus strand (C>T on the coding strand, the complement: MAP2K2 is on the minus strand). VCF-style: chr19-4095429-G-A. GRCh37 (hg19) VCF-style: chr19-4095427-G-A.
Other names: p.N335N:AAC>AAT.
Identifiers: ClinVar variation 138162 (VCV000138162.10), dbSNP rs587781028, ClinGen allele CA292000.